The following is an entry in ClinVar:

ClinVar aggregate classification (germline): Uncertain significance (1 of 4 stars; one submission).

Submission:

GeneDx
Classification: Uncertain significance. Last evaluated: 2017-08-08. Review status: criteria provided, single submitter. Criteria: GeneDx Variant Classification (06012015). Collection method: clinical testing. Allele origin: germline. Affected: yes.
Comment: A variant of uncertain significance has been identified in the DMD gene. The Q977H variant has not been published as pathogenic or been reported as benign to our knowledge. This variant is not observed in large population cohorts (Lek et al., 2016; 1000 Genomes Consortium et al., 2015; Exome Variant Server). The Q977H variant is a semi-conservative amino acid substitution, which may impact secondary protein structure as these residues differ in some properties. However, this substitution occurs at a position that is not conserved across species. Finally, in silico analysis is inconsistent in its predictions as to whether or not the variant is damaging to the protein structure/function.

NM_004006.3(DMD):c.2931G>T (p.Gln977His)

Gene: DMD (dystrophin; minus strand). Cytogenetic location: Xp21.1.
Variant type: single nucleotide variant.
Coding change: c.2931G>T on transcript NM_004006.3 (MANE Select); coding-DNA position 2931, G replaced by T.
Protein change: p.Gln977His; replaces glutamine 977 with histidine.
Molecular consequence: missense variant.
Genome position (GRCh38, 1-based): chrX:32,472,182, C>A on the plus strand (G>T on the coding strand, the complement: DMD is on the minus strand). VCF-style: chrX-32472182-C-A. GRCh37 (hg19) VCF-style: chrX-32490299-C-A.
Other names: c.2907G>T, p.Gln969His (NM_000109.4); c.2919G>T, p.Gln973His (NM_004009.3); c.2562G>T, p.Gln854His (NM_004010.3); short protein forms Q977H, Q854H, Q969H, Q973H.
Identifiers: ClinVar variation 451154 (VCV000451154.2), dbSNP rs759350909, ClinGen allele CA412667822.
Genomic context (GRCh38, chrX:32,472,182, plus strand): 5'-ATAAGCGTGCTTTATTGTTTTGACATTCAAATATTCACAGACCTGCAATTCCCCGAGTCT[C>A]TGCTCCATGATTTCATAGTCGGTGACACTAAGTTGAGGTATGGAGAGTTTGGTTTCTGAC-3'
Protein context (NP_003997.2, residues 967-987): LSVTDYEIME[Gln977His]RLGELQALQS